The following is an entry in ClinVar:

ClinVar aggregate classification (germline): Uncertain significance. Review status: criteria provided, multiple submitters, no conflicts (2 of 4 stars). 2 submissions from 2 submitters: Uncertain significance (2). Last evaluated 2024-02-21.

Conditions:
Inborn genetic diseases. Identifiers: MedGen C0950123, MeSH D030342.
PKD1L1-related disorder. Also called: PKD1L1-related condition.

Allele frequency attached by ClinVar (database versions not stated): gnomAD 0.00001; TOPMed 0.00001.
gnomAD v4.1: 1 of 1,613,938 alleles (0.000062%); highest among the groups gnomAD compares: Admixed American, 0.0017%; no homozygotes.

Submissions (2):

Ambry Genetics
Classification: Uncertain significance for Inborn genetic diseases. Last evaluated: 2024-02-21. Review status: criteria provided, single submitter. Criteria: Ambry Variant Classification Scheme 2023. Collection method: clinical testing. Allele origin: germline.

PreventionGenetics, part of Exact Sciences
Classification: Uncertain significance for PKD1L1-related condition. Last evaluated: 2023-04-05. Review status: criteria provided, single submitter. Criteria: ACMG Guidelines, 2015. Collection method: clinical testing. Allele origin: germline.
Comment: The PKD1L1 c.7916G>C variant is predicted to result in the amino acid substitution p.Cys2639Ser. To our knowledge, this variant has not been reported in the literature or in a large population database, indicating this variant is rare. At this time, the clinical significance of this variant is uncertain due to the absence of conclusive functional and genetic evidence.

NM_138295.5(PKD1L1):c.7916G>C (p.Cys2639Ser)

Genes: PKD1L1 (polycystin 1 like 1, transient receptor potential channel interacting; minus strand), PKD1L1-AS1 (PKD1L1 antisense RNA 1; plus strand). Cytogenetic location: 7p12.3.
Variant type: single nucleotide variant.
Coding change: c.7916G>C on transcript NM_138295.5 (MANE Select); coding-DNA position 7916, G replaced by C.
Protein change: p.Cys2639Ser; replaces cysteine 2639 with serine.
Molecular consequence: missense variant.
Genome position (GRCh38, 1-based): chr7:47,803,256, C>G on the plus strand (G>C on the coding strand, the complement: PKD1L1 is on the minus strand). VCF-style: chr7-47803256-C-G. GRCh37 (hg19) VCF-style: chr7-47842854-C-G.
Other names: short protein forms C2639S.
Identifiers: ClinVar variation 2629222 (VCV002629222.2), dbSNP rs955215166, ClinGen allele CA158077585.
Genomic context (GRCh38, chr7:47,803,256, plus strand): 5'-GGGAGAGTTCTTACCCCTGCTACAAAGATGCTGGGGAGTGAGTGGCGCATCATGGAGGAG[C>G]AGGATGCCATTGTGTTTTGAATGCCAGGAAGATAGACGCATTTTAATGTGAAGAGGAATA-3'
Protein context (NP_612152.1, residues 2629-2649): LPGIQNTMAS[Cys2639Ser]SSMMRHSLPS